The following is an entry in ClinVar:

ClinVar aggregate classification (germline): Benign/Likely benign. Review status: criteria provided, multiple submitters, no conflicts (2 of 4 stars). 4 submissions from 4 submitters: Benign (1); Likely benign (2). 1 of the submissions does not count toward it. Last evaluated 2026-04-16.

Conditions:
Hereditary cancer-predisposing syndrome. Also called: Hereditary neoplastic syndrome; Neoplastic Syndromes, Hereditary; Hereditary Cancer Syndrome; Tumor predisposition. Identifiers: Orphanet 140162, MedGen C0027672, MeSH D009386, MONDO:0015356.
DICER1-related disorder. Also called: DICER1-related condition.
DICER1-related tumor predisposition. Also called: DICER1-related pleuropulmonary blastoma cancer predisposition syndrome; DICER1 syndrome. Identifiers: Orphanet 284343, MedGen C3839822, MONDO:0100216.

Allele frequency attached by ClinVar (database versions not stated): gnomAD 0.00003; TOPMed 0.00002; gnomAD exomes 0.00001.
gnomAD v4.1: 9 of 1,613,804 alleles (0.00056%); highest among the groups gnomAD compares: African/African-American, 0.012%; no homozygotes.

Submissions (4):

Myriad Genetics, Inc.
Classification: Benign for DICER1-related tumor predisposition. Last evaluated: 2026-04-16. Review status: criteria provided, single submitter. Criteria: Myriad Autosomal Dominant, Autosomal Recessive and X-Linked Classification Criteria (2023). Collection method: clinical testing. Allele origin: unknown.
Comment: This variant is considered benign. This variant is a silent/synonymous amino acid change and it is not expected to impact splicing.

Labcorp Genetics (formerly Invitae), Labcorp
Classification: Likely benign for DICER1-related tumor predisposition. Last evaluated: 2026-01-15. Review status: criteria provided, single submitter. Criteria: Invitae Variant Classification Sherloc (09022015). Collection method: clinical testing. Allele origin: germline.

Ambry Genetics
Classification: Likely benign for Hereditary cancer-predisposing syndrome. Last evaluated: 2017-04-03. Review status: criteria provided, single submitter. Criteria: Ambry Variant Classification Scheme 2023. Collection method: clinical testing. Allele origin: germline.

PreventionGenetics, part of Exact Sciences
Classification: Likely benign for DICER1-related condition. Last evaluated: 2024-08-09. Review status: no assertion criteria provided. Collection method: clinical testing. Allele origin: germline. Not counted in ClinVar's aggregate classification.
Comment: This variant is classified as likely benign based on ACMG/AMP sequence variant interpretation guidelines (Richards et al. 2015 PMID: 25741868, with internal and published modifications).

NM_177438.3(DICER1):c.2577G>C (p.Arg859=)

Gene: DICER1 (dicer 1, ribonuclease III; minus strand). Cytogenetic location: 14q32.13.
Variant type: single nucleotide variant.
Coding change: c.2577G>C on transcript NM_177438.3 (MANE Select); coding-DNA position 2577, G replaced by C.
Protein change: p.Arg859=; no amino-acid change (arginine 859 retained).
Molecular consequence: synonymous variant.
Genome position (GRCh38, 1-based): chr14:95,107,953, C>G on the plus strand (G>C on the coding strand, the complement: DICER1 is on the minus strand). VCF-style: chr14-95107953-C-G. GRCh37 (hg19) VCF-style: chr14-95574290-C-G.
Other names: c.2577G>C, p.Arg859= (NM_001195573.1, NM_001271282.3, NM_001291628.2 and 1 more transcripts).
Identifiers: ClinVar variation 479609 (VCV000479609.18), dbSNP rs1010614154, ClinGen allele CA265909391.